The following is an entry in ClinVar:

NM_018706.7(DHTKD1):c.1093A>T (p.Asn365Tyr)

Gene: DHTKD1 (dehydrogenase E1 and transketolase domain containing 1; plus strand). Cytogenetic location: 10p14.
Variant type: single nucleotide variant.
Coding change: c.1093A>T on transcript NM_018706.7 (MANE Select); coding-DNA position 1093, A replaced by T.
Protein change: p.Asn365Tyr; replaces asparagine 365 with tyrosine.
Molecular consequence: missense variant.
Genome position (GRCh38, 1-based): chr10:12,091,618, A>T. VCF-style: chr10-12091618-A-T. GRCh37 (hg19) VCF-style: chr10-12133617-A-T.
Other names: short protein forms N365Y.
Identifiers: ClinVar variation 845576 (VCV000845576.10), dbSNP rs747758630, ClinGen allele CA5407744.

ClinVar aggregate classification (germline): Uncertain significance (1 of 4 stars; one submission).

Conditions:
2-aminoadipic 2-oxoadipic aciduria (AAKAD). Also called: Aminoadipic aciduria; ALPHA-AMINOADIPIC AND ALPHA-KETOADIPIC ACIDURIA. Identifiers: Orphanet 79154, MedGen C1859817, MONDO:0008774, OMIM 204750.

Allele frequency attached by ClinVar (database versions not stated): gnomAD exomes 0.00001 and 0.00003; ExAC 0.00007.

Submission:

Labcorp Genetics (formerly Invitae), Labcorp
Classification: Uncertain significance for 2-aminoadipic 2-oxoadipic aciduria. Last evaluated: 2024-03-24. Review status: criteria provided, single submitter. Criteria: Invitae Variant Classification Sherloc (09022015). Collection method: clinical testing. Allele origin: germline.
Comment: This sequence change replaces asparagine, which is neutral and polar, with tyrosine, which is neutral and polar, at codon 365 of the DHTKD1 protein (p.Asn365Tyr). This variant is present in population databases (rs747758630, gnomAD 0.007%). This missense change has been observed in individual(s) with amyotrophic lateral sclerosis (PMID: 35052424). ClinVar contains an entry for this variant (Variation ID: 845576). Advanced modeling of protein sequence and biophysical properties (such as structural, functional, and spatial information, amino acid conservation, physicochemical variation, residue mobility, and thermodynamic stability) performed at Invitae indicates that this missense variant is expected to disrupt DHTKD1 protein function with a positive predictive value of 80%. In summary, the available evidence is currently insufficient to determine the role of this variant in disease. Therefore, it has been classified as a Variant of Uncertain Significance.

Literature cited by the submitters: PubMed 35052424.